The following is an entry in ClinVar:

ClinVar aggregate classification (germline): Uncertain significance (1 of 4 stars; one submission).

Conditions:
Hereditary cancer-predisposing syndrome. Also called: Neoplastic Syndromes, Hereditary; Tumor predisposition; Hereditary neoplastic syndrome; Hereditary Cancer Syndrome. Identifiers: Orphanet 140162, MedGen C0027672, MeSH D009386, MONDO:0015356.

gnomAD v4.1: 1 of 1,614,120 alleles (0.000062%); highest among the groups gnomAD compares: Admixed American, 0.0017%; no homozygotes.

Submission:

Ambry Genetics
Classification: Uncertain significance for Hereditary cancer-predisposing syndrome. Last evaluated: 2024-04-17. Review status: criteria provided, single submitter. Criteria: Ambry Variant Classification Scheme 2023. Collection method: clinical testing. Allele origin: germline.
Comment: The p.P644H variant (also known as c.1931C>A), located in coding exon 14 of the PTCH1 gene, results from a C to A substitution at nucleotide position 1931. The proline at codon 644 is replaced by histidine, an amino acid with similar properties. This amino acid position is conserved. In addition, the in silico prediction for this alteration is inconclusive. Based on the available evidence, the clinical significance of this variant remains unclear.

NM_000264.5(PTCH1):c.1931C>A (p.Pro644His)

Genes: PTCH1 (patched 1; minus strand), LOC100507346 (uncharacterized LOC100507346; plus strand). Cytogenetic location: 9q22.32.
Variant type: single nucleotide variant.
Coding change: c.1931C>A on transcript NM_000264.5 (MANE Select); coding-DNA position 1931, C replaced by A.
Protein change: p.Pro644His; replaces proline 644 with histidine.
Molecular consequence: missense variant. On other transcripts: non-coding transcript variant (2).
Genome position (GRCh38, 1-based): chr9:95,469,070, G>T on the plus strand (C>A on the coding strand, the complement: PTCH1 is on the minus strand). VCF-style: chr9-95469070-G-T. GRCh37 (hg19) VCF-style: chr9-98231352-G-T.
Other names: c.1733C>A, p.Pro578His (NM_001083602.3); c.1928C>A, p.Pro643His (NM_001083603.3); c.1478C>A, p.Pro493His (NM_001083604.3, NM_001083605.3, NM_001083606.3 and 1 more transcripts); c.1775C>A, p.Pro592His (NM_001354918.2); short protein forms P643H, P644H, P493H, P578H, P592H.
Identifiers: ClinVar variation 3311164 (VCV003311164.1).